The following is an entry in ClinVar:

NM_004859.4(CLTC):c.1363G>C (p.Asp455His)

Gene: CLTC (clathrin heavy chain; plus strand). Cytogenetic location: 17q23.1.
Variant type: single nucleotide variant.
Coding change: c.1363G>C on transcript NM_004859.4 (MANE Select); coding-DNA position 1363, G replaced by C.
Protein change: p.Asp455His; replaces aspartic acid 455 with histidine.
Molecular consequence: missense variant.
Genome position (GRCh38, 1-based): chr17:59,661,638, G>C. VCF-style: chr17-59661638-G-C. GRCh37 (hg19) VCF-style: chr17-57738999-G-C.
Other names: c.1375G>C, p.Asp459His (NM_001288653.2); short protein forms D455H, D459H.
Identifiers: ClinVar variation 4527251 (VCV004527251.1).

ClinVar aggregate classification (germline): Uncertain significance (1 of 4 stars; one submission).

Submission:

GeneDx
Classification: Uncertain significance. Last evaluated: 2025-04-23. Review status: criteria provided, single submitter. Criteria: GeneDx Variant Classification Process June 2021. Collection method: clinical testing. Allele origin: germline. Affected: yes.
Comment: Not observed at significant frequency in large population cohorts (gnomAD); In silico analysis supports that this missense variant has a deleterious effect on protein structure/function; Has not been previously published as pathogenic or benign to our knowledge